The following is an entry in ClinVar:

ClinVar aggregate classification (germline): Uncertain significance. Review status: criteria provided, multiple submitters, no conflicts (2 of 4 stars). 2 submissions from 2 submitters: Uncertain significance (2). Last evaluated 2023-07-07.

Conditions:
Aicardi-Goutieres syndrome 7 (AGS7). Identifiers: Orphanet 51, MedGen C3888244, MONDO:0014367, OMIM 615846.
Singleton-Merten syndrome 1 (SGMRT1). Also called: Widened medullary cavities of bone, aortic calcification, abnormal dentition, and muscular weakness; Syndrome of widened medullary cavities of the metacarpals and phalanges, aortic calcification and abnormal dentition. Identifiers: Orphanet 85191, MedGen C4225427, MONDO:0024535, OMIM 182250.

Allele frequency attached by ClinVar (database versions not stated): ExAC 0.00001.
gnomAD v4.1: 2 of 1,611,562 alleles (0.00012%); highest among the groups gnomAD compares: Non-Finnish European, 0.00017%; no homozygotes.

Submissions (2):

Labcorp Genetics (formerly Invitae), Labcorp
Classification: Uncertain significance for Aicardi-Goutieres syndrome 7; Singleton-Merten syndrome 1. Last evaluated: 2023-07-07. Review status: criteria provided, single submitter. Criteria: Invitae Variant Classification Sherloc (09022015). Collection method: clinical testing. Allele origin: germline.
Comment: Advanced modeling of protein sequence and biophysical properties (such as structural, functional, and spatial information, amino acid conservation, physicochemical variation, residue mobility, and thermodynamic stability) has been performed at Invitae for this missense variant, however the output from this modeling did not meet the statistical confidence thresholds required to predict the impact of this variant on IFIH1 protein function. In summary, the available evidence is currently insufficient to determine the role of this variant in disease. Therefore, it has been classified as a Variant of Uncertain Significance. ClinVar contains an entry for this variant (Variation ID: 1913048). The frequency data for this variant in the population databases is considered unreliable, as metrics indicate poor data quality at this position in the gnomAD database. This variant has not been reported in the literature in individuals affected with IFIH1-related conditions. This sequence change replaces tryptophan, which is neutral and slightly polar, with leucine, which is neutral and non-polar, at codon 384 of the IFIH1 protein (p.Trp384Leu).

Blueprint Genetics
Classification: Uncertain significance. Last evaluated: 2020-07-16. Review status: criteria provided, single submitter. Criteria: ACMG Guidelines, 2015. Collection method: clinical testing. Allele origin: germline.

NM_022168.4(IFIH1):c.1151G>T (p.Trp384Leu)

Gene: IFIH1 (interferon induced with helicase C domain 1; minus strand). Cytogenetic location: 2q24.2.
Variant type: single nucleotide variant.
Coding change: c.1151G>T on transcript NM_022168.4 (MANE Select); coding-DNA position 1151, G replaced by T.
Protein change: p.Trp384Leu; replaces tryptophan 384 with leucine.
Molecular consequence: missense variant.
Genome position (GRCh38, 1-based): chr2:162,282,521, C>A on the plus strand (G>T on the coding strand, the complement: IFIH1 is on the minus strand). VCF-style: chr2-162282521-C-A. GRCh37 (hg19) VCF-style: chr2-163139031-C-A.
Other names: short protein forms W384L.
Identifiers: ClinVar variation 1913048 (VCV001913048.6), dbSNP rs752544919, ClinGen allele CA1934601.
Genomic context (GRCh38, chr2:162,282,521, plus strand): 5'-ACAACTTCTGGAAATGATATTTTCAGTTGGGTATCACCACTTAATCCAATAACACGATAC[C>A]ATTTCTTCAAAAATGGTTGGAACTCCTTGCGGAAGAGCTGTTCAACTAGCAGTACCTTAA-3'
Protein context (NP_071451.2, residues 374-394): RKEFQPFLKK[Trp384Leu]YRVIGLSGDT